The following is an entry in ClinVar:

NM_006031.6(PCNT):c.2154+7C>G

Gene: PCNT (pericentrin; plus strand). Cytogenetic location: 21q22.3.
Variant type: single nucleotide variant.
Coding change: c.2154+7C>G on transcript NM_006031.6 (MANE Select); 7 bases into the intron after coding-DNA position 2154, C replaced by G.
Molecular consequence: intron variant.
Genome position (GRCh38, 1-based): chr21:46,357,198, C>G. VCF-style: chr21-46357198-C-G. GRCh37 (hg19) VCF-style: chr21-47777113-C-G.
Other names: c.1800+7C>G (NM_001315529.2).
Identifiers: ClinVar variation 4991912 (VCV004991912.1).

ClinVar aggregate classification (germline): Likely benign (1 of 4 stars; one submission).

Conditions:
PCNT-related disorder. Also called: PCNT-related condition.

gnomAD v4.1: 1 of 1,582,236 alleles (0.000063%); highest among the groups gnomAD compares: Non-Finnish European, 0.000087%; no homozygotes.

Submission:

PreventionGenetics, part of Exact Sciences
Classification: Likely benign for PCNT-related condition. Last evaluated: 2026-04-23. Review status: criteria provided, single submitter. Criteria: ACMG Guidelines, 2015. Collection method: clinical testing. Allele origin: germline.
Comment: This variant is classified as likely benign based on ACMG/AMP sequence variant interpretation guidelines (Richards et al. 2015 PMID: 25741868, with internal and published modifications).